The following is an entry in ClinVar:

NM_001197104.2(KMT2A):c.2880A>G (p.Ile960Met)

Gene: KMT2A (lysine methyltransferase 2A; plus strand). Cytogenetic location: 11q23.3.
Variant type: single nucleotide variant.
Coding change: c.2880A>G on transcript NM_001197104.2 (MANE Select); coding-DNA position 2880, A replaced by G.
Protein change: p.Ile960Met; replaces isoleucine 960 with methionine.
Molecular consequence: missense variant.
Genome position (GRCh38, 1-based): chr11:118,474,039, A>G. VCF-style: chr11-118474039-A-G. GRCh37 (hg19) VCF-style: chr11-118344754-A-G.
Other names: c.2880A>G, p.Ile960Met (NM_005933.4); short protein forms I960M.
Identifiers: ClinVar variation 1422375 (VCV001422375.7), dbSNP rs782199640, ClinGen allele CA229522126.

ClinVar aggregate classification (germline): Uncertain significance. Review status: criteria provided, multiple submitters, no conflicts (2 of 4 stars). 2 submissions from 2 submitters: Uncertain significance (2). Last evaluated 2025-09-12.

Allele frequency attached by ClinVar (database versions not stated): gnomAD exomes below 0.00001 and 0.00002; TOPMed below 0.00001; gnomAD 0.00001.
gnomAD v4.1: 25 of 1,613,634 alleles (0.0015%); highest among the groups gnomAD compares: Non-Finnish European, 0.0021%; no homozygotes.

Submissions (2):

Women's Health and Genetics/Laboratory Corporation of America, LabCorp
Classification: Uncertain significance. Last evaluated: 2025-09-12. Review status: criteria provided, single submitter. Criteria: LabCorp Variant Classification Summary - May 2015. Collection method: clinical testing. Allele origin: germline.
Comment: Variant summary: KMT2A c.2880A>G (p.Ile960Met) results in a conservative amino acid change in the encoded protein sequence. Algorithms developed to predict the effect of missense changes on protein structure and function all suggest that this variant is likely to be tolerated. The variant allele was found at a frequency of 4e-06 in 251060 control chromosomes. The available data on variant occurrences in the general population are insufficient to allow any conclusion about variant significance. To our knowledge, no occurrence of c.2880A>G in individuals affected with KMT2A-related conditions and no experimental evidence demonstrating its impact on protein function have been reported. ClinVar contains an entry for this variant (Variation ID: 1422375). Based on the evidence outlined above, the variant was classified as uncertain significance.

Labcorp Genetics (formerly Invitae), Labcorp
Classification: Uncertain significance. Last evaluated: 2024-01-17. Review status: criteria provided, single submitter. Criteria: Invitae Variant Classification Sherloc (09022015). Collection method: clinical testing. Allele origin: germline.
Comment: This sequence change replaces isoleucine, which is neutral and non-polar, with methionine, which is neutral and non-polar, at codon 960 of the KMT2A protein (p.Ile960Met). This variant is present in population databases (rs782199640, gnomAD 0.0009%). This variant has not been reported in the literature in individuals affected with KMT2A-related conditions. ClinVar contains an entry for this variant (Variation ID: 1422375). Advanced modeling of protein sequence and biophysical properties (such as structural, functional, and spatial information, amino acid conservation, physicochemical variation, residue mobility, and thermodynamic stability) performed at Invitae indicates that this missense variant is not expected to disrupt KMT2A protein function with a negative predictive value of 95%. In summary, the available evidence is currently insufficient to determine the role of this variant in disease. Therefore, it has been classified as a Variant of Uncertain Significance.